The following is an entry in ClinVar:

ClinVar aggregate classification (germline): Benign/Likely benign. Review status: criteria provided, multiple submitters, no conflicts (2 of 4 stars). 2 submissions from 2 submitters: Benign (1); Likely benign (1). Last evaluated 2024-02-22.

Conditions:
Hereditary cancer-predisposing syndrome. Also called: Neoplastic Syndromes, Hereditary; Tumor predisposition; Hereditary Cancer Syndrome; Hereditary neoplastic syndrome. Identifiers: Orphanet 140162, MedGen C0027672, MeSH D009386, MONDO:0015356.
Familial adenomatous polyposis 1 (FAP1). Also called: FAMILIAL ADENOMATOUS POLYPOSIS 1, ATTENUATED; POLYPOSIS, ADENOMATOUS INTESTINAL. Identifiers: MedGen C2713442, MONDO:0021056, OMIM 175100. Disease mechanism: loss of function.

Submissions (2):

Myriad Genetics, Inc.
Classification: Benign for Familial adenomatous polyposis 1. Last evaluated: 2024-02-22. Review status: criteria provided, single submitter. Criteria: Myriad Autosomal Dominant, Autosomal Recessive and X-Linked Classification Criteria (2023). Collection method: clinical testing. Allele origin: unknown.
Comment: This variant is considered benign. This variant is a silent/synonymous amino acid change and it is not expected to impact splicing.

Ambry Genetics
Classification: Likely benign for Hereditary cancer-predisposing syndrome. Last evaluated: 2021-08-11. Review status: criteria provided, single submitter. Criteria: Ambry Variant Classification Scheme 2023. Collection method: clinical testing. Allele origin: germline.

NM_000038.6(APC):c.165T>C (p.Ile55=)

Gene: APC (APC regulator of Wnt signaling pathway; plus strand). Cytogenetic location: 5q22.2.
Variant type: single nucleotide variant.
Coding change: c.165T>C on transcript NM_000038.6 (MANE Select); coding-DNA position 165, T replaced by C.
Protein change: p.Ile55=; no amino-acid change (isoleucine 55 retained).
Molecular consequence: synonymous variant. On other transcripts: 5 prime UTR variant (8), non-coding transcript variant (2).
Genome position (GRCh38, 1-based): chr5:112,766,355, T>C. VCF-style: chr5-112766355-T-C. GRCh37 (hg19) VCF-style: chr5-112102052-T-C.
Other names: c.165T>C, p.Ile55= (NM_001127510.3, NM_001354895.2, NM_001354896.2 and 16 more transcripts); c.195T>C, p.Ile65= (NM_001127511.3, NM_001354897.2, NM_001354902.2 and 1 more transcripts); c.90T>C, p.Ile30= (NM_001354898.2, NM_001354904.2, NM_001407451.1); c.-13T>C (NM_001354900.2, NM_001354901.2, NM_001354905.2 and 1 more transcripts); c.-871T>C (NM_001354906.2, NM_001407470.1, NM_001407471.1 and 1 more transcripts).
Identifiers: ClinVar variation 1777467 (VCV001777467.2), dbSNP rs1756322448, ClinGen allele CA445752993.